The following is an entry in ClinVar:

ClinVar aggregate classification (germline): Uncertain significance (1 of 4 stars; one submission).

Submission:

Labcorp Genetics (formerly Invitae), Labcorp
Classification: Uncertain significance. Last evaluated: 2022-12-08. Review status: criteria provided, single submitter. Criteria: Invitae Variant Classification Sherloc (09022015). Collection method: clinical testing. Allele origin: germline.
Comment: In summary, the available evidence is currently insufficient to determine the role of this variant in disease. Therefore, it has been classified as a Variant of Uncertain Significance. Experimental studies and prediction algorithms are not available or were not evaluated, and the functional significance of this variant is currently unknown. This variant has not been reported in the literature in individuals affected with TNFRSF11A-related conditions. The frequency data for this variant in the population databases is considered unreliable, as metrics indicate insufficient coverage at this position in the gnomAD database. This sequence change affects the initiator methionine of the TNFRSF11A mRNA. The next in-frame methionine is located at codon 56.

NM_003839.4(TNFRSF11A):c.2T>C (p.Met1Thr)

Genes: TNFRSF11A (TNF receptor superfamily member 11a; plus strand), LOC130062628 (ATAC-STARR-seq lymphoblastoid silent region 9505; plus strand). Cytogenetic location: 18q21.33.
Variant type: single nucleotide variant.
Coding change: c.2T>C on transcript NM_003839.4 (MANE Select); coding-DNA position 2, T replaced by C.
Protein change: p.Met1Thr; changes the start codon (methionine 1).
Molecular consequence: missense variant, initiator codon variant.
Genome position (GRCh38, 1-based): chr18:62,325,354, T>C. VCF-style: chr18-62325354-T-C. GRCh37 (hg19) VCF-style: chr18-59992587-T-C.
Other names: c.2T>C, p.Met1Thr (NM_001270949.2, NM_001270950.2, NM_001270951.2 and 1 more transcripts); short protein forms M1T.
Identifiers: ClinVar variation 2875536 (VCV002875536.3), dbSNP rs2513223439, ClinGen allele CA402618564.